The following is an entry in ClinVar:

NM_005477.3(HCN4):c.2501C>A (p.Pro834His)

Gene: HCN4 (hyperpolarization activated cyclic nucleotide gated potassium channel 4; minus strand). Cytogenetic location: 15q24.1.
Variant type: single nucleotide variant.
Coding change: c.2501C>A on transcript NM_005477.3 (MANE Select); coding-DNA position 2501, C replaced by A.
Protein change: p.Pro834His; replaces proline 834 with histidine.
Molecular consequence: missense variant.
Genome position (GRCh38, 1-based): chr15:73,323,592, G>T on the plus strand (C>A on the coding strand, the complement: HCN4 is on the minus strand). VCF-style: chr15-73323592-G-T. GRCh37 (hg19) VCF-style: chr15-73615933-G-T.
Other names: short protein forms P834H.
Identifiers: ClinVar variation 4842474 (VCV004842474.1).

ClinVar aggregate classification (germline): Uncertain significance (1 of 4 stars; one submission).

Conditions:
Cardiovascular phenotype. Identifiers: MedGen CN230736.

Submission:

Ambry Genetics
Classification: Uncertain significance for Cardiovascular phenotype. Last evaluated: 2025-12-19. Review status: criteria provided, single submitter. Criteria: Ambry Variant Classification Scheme 2023. Collection method: clinical testing. Allele origin: germline.
Comment: The p.P834H variant (also known as c.2501C>A), located in coding exon 8 of the HCN4 gene, results from a C to A substitution at nucleotide position 2501. The proline at codon 834 is replaced by histidine, an amino acid with similar properties. This amino acid position is conserved. In addition, this alteration is predicted to be tolerated by in silico analysis. Based on the available evidence, the clinical significance of this variant remains unclear.